The following is an entry in ClinVar:

ClinVar aggregate classification (germline): Uncertain significance (1 of 4 stars; one submission).

gnomAD v4.1: 1 of 1,614,170 alleles (0.000062%); highest among the groups gnomAD compares: South Asian, 0.0011%; no homozygotes.

Submission:

Ambry Genetics
Classification: Uncertain significance. Last evaluated: 2025-03-25. Review status: criteria provided, single submitter. Criteria: Ambry Variant Classification Scheme 2023. Collection method: clinical testing. Allele origin: germline.
Comment: The p.D131H variant (also known as c.391G>C), located in coding exon 2 of the GALNT12 gene, results from a G to C substitution at nucleotide position 391. The aspartic acid at codon 131 is replaced by histidine, an amino acid with similar properties. This amino acid position is conserved. In addition, this alteration is predicted to be tolerated by in silico analysis. Based on the available evidence, the clinical significance of this variant remains unclear.

NM_024642.5(GALNT12):c.391G>C (p.Asp131His)

Gene: GALNT12 (polypeptide N-acetylgalactosaminyltransferase 12; plus strand). Cytogenetic location: 9q22.33.
Variant type: single nucleotide variant.
Coding change: c.391G>C on transcript NM_024642.5 (MANE Select); coding-DNA position 391, G replaced by C.
Protein change: p.Asp131His; replaces aspartic acid 131 with histidine.
Molecular consequence: missense variant.
Genome position (GRCh38, 1-based): chr9:98,823,275, G>C. VCF-style: chr9-98823275-G-C. GRCh37 (hg19) VCF-style: chr9-101585557-G-C.
Other names: short protein forms D131H.
Identifiers: ClinVar variation 4027995 (VCV004027995.1).